The following is an entry in ClinVar:

ClinVar aggregate classification (germline): Uncertain significance (1 of 4 stars; one submission).

Allele frequency attached by ClinVar (database versions not stated): gnomAD 0.00001; TOPMed 0.00001.

Submission:

Labcorp Genetics (formerly Invitae), Labcorp
Classification: Uncertain significance. Last evaluated: 2021-02-21. Review status: criteria provided, single submitter. Criteria: Invitae Variant Classification Sherloc (09022015). Collection method: clinical testing. Allele origin: germline.
Comment: This variant occurs in a non-coding region of the EYS gene. It does not change the encoded amino acid sequence of the EYS protein. The frequency data for this variant in the population databases is considered unreliable, as metrics indicate insufficient coverage at this position in the ExAC database. This variant has not been reported in the literature in individuals with EYS-related conditions. Algorithms developed to predict the effect of sequence changes on RNA splicing suggest that this variant may create or strengthen a splice site, but this prediction has not been confirmed by published transcriptional studies. In summary, the available evidence is currently insufficient to determine the role of this variant in disease. Therefore, it has been classified as a Variant of Uncertain Significance.

NM_001142800.2(EYS):c.-497_-496insTTA

Gene: EYS (eyes shut homolog; minus strand). Cytogenetic location: 6q12.
Variant type: Insertion.
Coding change: c.-497_-496insTTA on transcript NM_001142800.2 (MANE Select); 497 bases upstream of the start codon through 496 bases upstream of the start codon, TTA inserted.
Molecular consequence: 5 prime UTR variant.
Genome position: GRCh38 VCF-style: chr6-65707183-C-CTAA. GRCh37 (hg19) VCF-style: chr6-66417076-C-CTAA.
Other names: c.-497_-496insTTA (NM_001142801.2, NM_001292009.2).
Identifiers: ClinVar variation 1426165 (VCV001426165.3), dbSNP rs1353080432, ClinGen allele CA827159055.